The following is an entry in ClinVar:

NM_144508.5(KNL1):c.6388C>T (p.Leu2130Phe)

Gene: KNL1 (kinetochore scaffold 1; plus strand). Cytogenetic location: 15q15.1.
Variant type: single nucleotide variant.
Coding change: c.6388C>T on transcript NM_144508.5 (MANE Select); coding-DNA position 6388, C replaced by T.
Protein change: p.Leu2130Phe; replaces leucine 2130 with phenylalanine.
Molecular consequence: missense variant.
Genome position (GRCh38, 1-based): chr15:40,652,078, C>T. VCF-style: chr15-40652078-C-T. GRCh37 (hg19) VCF-style: chr15-40944276-C-T.
Other names: c.6466C>T, p.Leu2156Phe (NM_170589.5); short protein forms L2130F, L2156F.
Identifiers: ClinVar variation 3908019 (VCV003908019.1).

ClinVar aggregate classification (germline): Uncertain significance (1 of 4 stars; one submission).

gnomAD v4.1: 1 of 1,613,390 alleles (0.000062%); highest among the groups gnomAD compares: Admixed American, 0.0017%; no homozygotes.

Submission:

GeneDx
Classification: Uncertain significance. Last evaluated: 2024-12-26. Review status: criteria provided, single submitter. Criteria: GeneDx Variant Classification Process June 2021. Collection method: clinical testing. Allele origin: germline. Affected: yes.
Comment: Not observed at significant frequency in large population cohorts (gnomAD); In silico analysis supports that this missense variant has a deleterious effect on protein structure/function; Has not been previously published as pathogenic or benign to our knowledge